The following is an entry in ClinVar:

NM_004530.6(MMP2):c.*872C>T

Gene: MMP2 (matrix metallopeptidase 2; plus strand). Cytogenetic location: 16q12.2.
Variant type: single nucleotide variant.
Coding change: c.*872C>T on transcript NM_004530.6 (MANE Select); 872 bases downstream of the stop codon, C replaced by T.
Molecular consequence: 3 prime UTR variant.
Genome position (GRCh38, 1-based): chr16:55,506,314, C>T. VCF-style: chr16-55506314-C-T. GRCh37 (hg19) VCF-style: chr16-55540226-C-T.
Other names: c.*872C>T (NM_001127891.3, NM_001302508.1, NM_001302509.2 and 1 more transcripts).
Identifiers: ClinVar variation 319784 (VCV000319784.5), dbSNP rs140455191, ClinGen allele CA10647745.

ClinVar aggregate classification (germline): Benign (1 of 4 stars; one submission).

Conditions:
Multicentric osteolysis nodulosis arthropathy spectrum. Identifiers: Orphanet 3460, Orphanet 371428, MedGen C1850155, MONDO:0018298.

Allele frequency attached by ClinVar (database versions not stated): 1000 Genomes Project 0.00919; 1000 Genomes Project 30x 0.00953; gnomAD 0.00976 and 0.00998; TOPMed 0.00990.

Submission:

Illumina Laboratory Services, Illumina
Classification: Benign for Multicentric osteolysis, nodulosis, and arthropathy. Last evaluated: 2018-01-13. Review status: criteria provided, single submitter. Criteria: ICSL Variant Classification Criteria 13 December 2019. Collection method: clinical testing. Allele origin: germline.
Comment: This variant was observed in the ICSL laboratory as part of a predisposition screen in an ostensibly healthy population. It had not been previously curated by ICSL or reported in the Human Gene Mutation Database (HGMD: prior to June 1st, 2018), and was therefore a candidate for classification through an automated scoring system. Utilizing variant allele frequency, disease prevalence and penetrance estimates, and inheritance mode, an automated score was calculated to assess if this variant is too frequent to cause the disease. Based on the score and internal cut-off values, a variant classified as benign is not then subjected to further curation. The score for this variant resulted in a classification of benign for this disease.